The following is an entry in ClinVar:

ClinVar aggregate classification (germline): Uncertain significance. Review status: criteria provided, multiple submitters, no conflicts (2 of 4 stars). 3 submissions from 3 submitters: Uncertain significance (3). Last evaluated 2025-03-15.

Conditions:
Myopathy, proximal, and ophthalmoplegia (CMYO6). Also called: CONGENITAL MYOPATHY 6 WITH OPHTHALMOPLEGIA; MYOPATHY WITH CONGENITAL JOINT CONTRACTURES, OPHTHALMOPLEGIA, AND RIMMED VACUOLES; INCLUSION BODY MYOPATHY 3, AUTOSOMAL DOMINANT. Identifiers: Orphanet 363677, Orphanet 79091, MedGen C1854106, MONDO:0011577, OMIM 605637.
Inborn genetic diseases. Identifiers: MedGen C0950123, MeSH D030342.

Allele frequency attached by ClinVar (database versions not stated): gnomAD exomes 0.00002 and 0.00004; ExAC 0.00007; ESP Exome Variant Server 0.00008; 1000 Genomes Project 30x 0.00016; TOPMed 0.00019; 1000 Genomes Project 0.00020; gnomAD 0.00023 and 0.00026.
gnomAD v4.1: 60 of 1,614,110 alleles (0.0037%); highest among the groups gnomAD compares: African/African-American, 0.077%; no homozygotes.

Submissions (3):

Ambry Genetics
Classification: Uncertain significance for Inborn genetic diseases. Last evaluated: 2025-03-15. Review status: criteria provided, single submitter. Criteria: Ambry Variant Classification Scheme 2023. Collection method: clinical testing. Allele origin: germline.

Labcorp Genetics (formerly Invitae), Labcorp
Classification: Uncertain significance for Myopathy, proximal, and ophthalmoplegia. Last evaluated: 2024-05-02. Review status: criteria provided, single submitter. Criteria: Invitae Variant Classification Sherloc (09022015). Collection method: clinical testing. Allele origin: germline.
Comment: This sequence change replaces histidine, which is basic and polar, with leucine, which is neutral and non-polar, at codon 361 of the MYH2 protein (p.His361Leu). This variant is present in population databases (rs139478967, gnomAD 0.05%). This variant has not been reported in the literature in individuals affected with MYH2-related conditions. ClinVar contains an entry for this variant (Variation ID: 857900). Advanced modeling of protein sequence and biophysical properties (such as structural, functional, and spatial information, amino acid conservation, physicochemical variation, residue mobility, and thermodynamic stability) performed at Invitae indicates that this missense variant is not expected to disrupt MYH2 protein function with a negative predictive value of 80%. In summary, the available evidence is currently insufficient to determine the role of this variant in disease. Therefore, it has been classified as a Variant of Uncertain Significance.

Revvity Omics, Revvity
Classification: Uncertain significance for Myopathy, proximal, and ophthalmoplegia. Last evaluated: 2019-05-20. Review status: criteria provided, single submitter. Criteria: ACMG Guidelines, 2015. Collection method: clinical testing. Allele origin: germline.

NM_017534.6(MYH2):c.1082A>T (p.His361Leu)

Genes: MYHAS (myosin heavy chain gene cluster antisense RNA; plus strand), MYH2 (myosin heavy chain 2; minus strand). Cytogenetic location: 17p13.1.
Variant type: single nucleotide variant.
Coding change: c.1082A>T on transcript NM_017534.6 (MANE Select); coding-DNA position 1082, A replaced by T.
Protein change: p.His361Leu; replaces histidine 361 with leucine.
Molecular consequence: missense variant.
Genome position (GRCh38, 1-based): chr17:10,539,993, T>A on the plus strand (A>T on the coding strand, the complement: MYH2 is on the minus strand). VCF-style: chr17-10539993-T-A. GRCh37 (hg19) VCF-style: chr17-10443310-T-A.
Other names: c.1082A>T, p.His361Leu (NM_001100112.2); short protein forms H361L.
Identifiers: ClinVar variation 857900 (VCV000857900.10), dbSNP rs139478967, ClinGen allele CA8391454.